The following is an entry in ClinVar:

NM_001130987.2(DYSF):c.2648dup (p.Glu884fs)

Gene: DYSF (dysferlin; plus strand). Cytogenetic location: 2p13.2.
Variant type: Duplication.
Coding change: c.2648dup on transcript NM_001130987.2 (MANE Select); coding-DNA position 2648, one base duplicated (A; older notation c.2648dupA).
Protein change: p.Glu884fs; shifts the reading frame from glutamic acid 884.
Molecular consequence: frameshift variant.
Genome position (GRCh38, 1-based): chr2:71,568,033, A duplicated; the last of 2 consecutive A bases (chr2:71,568,032-71,568,033); duplicating either gives the same sequence. VCF-style (leftmost placement, unchanged base first): chr2-71568031-G-GA. GRCh37 (hg19) VCF-style: chr2-71795161-G-GA.
Other names: c.2552dup, p.Glu852fs (NM_001130976.2, NM_001130977.2); c.2594dup, p.Glu866fs (NM_001130978.2, NM_003494.4); c.2687dup, p.Glu897fs (NM_001130979.2); c.2645dup, p.Glu883fs (NM_001130980.2, NM_001130981.2); c.2690dup, p.Glu898fs (NM_001130982.2); c.2597dup, p.Glu867fs (NM_001130983.2, NM_001130455.2); c.2555dup, p.Glu853fs (NM_001130984.2, NM_001130986.2); c.2648dup, p.Glu884fs (NM_001130985.2); short protein forms E866fs, E898fs, E852fs, E867fs, E853fs, E883fs, E884fs, E897fs.
Identifiers: ClinVar variation 856589 (VCV000856589.8), dbSNP rs2092209876, ClinGen allele CA916082540.
Genomic context (GRCh38, chr2:71,568,031, plus strand): 5'-TGGCGCCCGGATGCCAGTGCAGATACGGGTCAAGCTGTGGTTTGGGCTCTCAGTGGATGA[G>GA]AAGGAGTTCAACCAGTTTGCTGAGGGGAAGCTGTCTGTCTTTGCTGAAACCGTGAGTACC-3'

ClinVar aggregate classification (germline): Pathogenic. Review status: criteria provided, multiple submitters, no conflicts (2 of 4 stars). 2 submissions from 2 submitters: Pathogenic (2). Last evaluated 2025-08-10.

Conditions:
Autosomal recessive limb-girdle muscular dystrophy. Identifiers: Orphanet 102015, MedGen C2931907, MONDO:0015152.
Neuromuscular disease caused by qualitative or quantitative defects of dysferlin. Also called: Dysferlinopathy; Qualitative or quantitative defects of dysferlin. Identifiers: Orphanet 207073, MedGen C2931687, MONDO:0016145.

Submissions (2):

Myriad Genetics, Inc.
Classification: Pathogenic for Autosomal recessive limb-girdle muscular dystrophy. Last evaluated: 2025-08-10. Review status: criteria provided, single submitter. Criteria: Myriad Autosomal Dominant, Autosomal Recessive and X-Linked Classification Criteria (2023). Collection method: clinical testing. Allele origin: unknown.
Comment: NM_003494.3(DYSF):c.2594dupA(E866Gfs*7) is expected to be pathogenic in the context of dysferlinopathy. This variant is predicted to lead to an abnormal or absent protein product due to the creation of a premature termination codon in DYSF, a gene where loss-of-function variants are known to be pathogenic. Please note: this variant was assessed in the context of healthy population screening.

Labcorp Genetics (formerly Invitae), Labcorp
Classification: Pathogenic for Neuromuscular disease caused by qualitative or quantitative defects of dysferlin. Last evaluated: 2022-06-04. Review status: criteria provided, single submitter. Criteria: Invitae Variant Classification Sherloc (09022015). Collection method: clinical testing. Allele origin: germline.
Comment: This sequence change creates a premature translational stop signal (p.Glu866Glyfs*7) in the DYSF gene. It is expected to result in an absent or disrupted protein product. Loss-of-function variants in DYSF are known to be pathogenic (PMID: 17698709, 20301480). This variant is not present in population databases (gnomAD no frequency). This variant has not been reported in the literature in individuals affected with DYSF-related conditions. ClinVar contains an entry for this variant (Variation ID: 856589). For these reasons, this variant has been classified as Pathogenic.

Literature cited by the submitters: PubMed 17698709 (cited by Labcorp Genetics (formerly Invitae), Labcorp); PubMed 20301480 (cited by Labcorp Genetics (formerly Invitae), Labcorp).